The following is an entry in ClinVar:

NM_002485.5(NBN):c.2125_2127delinsCTG (p.Ile709Leu)

Gene: NBN (nibrin; minus strand). Cytogenetic location: 8q21.3.
Variant type: Indel.
Coding change: c.2125_2127delinsCTG on transcript NM_002485.5 (MANE Select); coding-DNA positions 2125 to 2127, ATA replaced by CTG.
Protein change: p.Ile709Leu; replaces isoleucine 709 with leucine.
Molecular consequence: missense variant.
Genome position (GRCh38, 1-based): chr8:89,943,310-89,943,312, TAT replaced by CAG on the plus strand (ATA replaced by CTG on the coding strand, the reverse complement: NBN is on the minus strand). VCF-style: chr8-89943310-TAT-CAG. GRCh37 (hg19) VCF-style: chr8-90955538-TAT-CAG.
Other names: c.1879_1881delinsCTG, p.Ile627Leu (NM_001024688.3); short protein forms I709L, I627L.
Identifiers: ClinVar variation 820766 (VCV000820766.9), dbSNP rs1586035313, ClinGen allele CA915945760.
Genomic context (GRCh38, chr8:89,943,310, plus strand): 5'-AACCTCCATTTCCTGCCTTAGCCACTCTTCTAGTTCTGTATTCTTTCGAGCATGATGAGC[TAT>CAG]TAGATCTGATCCTCCAATGATGTGTGGAAGTTTTCCTGCTCCAGGATATGTGACCTATTG-3'
Protein context (NP_002476.2, residues 699-719): LPHIIGGSDL[Ile709Leu]AHHARKNTEL

ClinVar aggregate classification (germline): Uncertain significance. Review status: criteria provided, multiple submitters, no conflicts (2 of 4 stars). 2 submissions from 2 submitters: Uncertain significance (2). Last evaluated 2023-05-16.

Conditions:
Hereditary cancer-predisposing syndrome. Also called: Hereditary Cancer Syndrome; Neoplastic Syndromes, Hereditary; Hereditary neoplastic syndrome; Tumor predisposition. Identifiers: Orphanet 140162, MedGen C0027672, MeSH D009386, MONDO:0015356.
Microcephaly, normal intelligence and immunodeficiency (NBS). Also called: Nijmegen breakage syndrome; Microcephaly with normal intelligence immunodeficiency and lymphoreticular malignancies; Nonsyndromal microcephaly autosomal recessive with normal intelligence; Seemanova syndrome 2; Immunodeficiency, microcephaly with normal intelligence; Ataxia telangiectasia variant V1. Identifiers: Orphanet 647, MedGen C0398791, MONDO:0009623, OMIM 251260.

Submissions (2):

Ambry Genetics
Classification: Uncertain significance for Hereditary cancer-predisposing syndrome. Last evaluated: 2023-05-16. Review status: criteria provided, single submitter. Criteria: Ambry Variant Classification Scheme 2023. Collection method: clinical testing. Allele origin: germline.
Comment: The c.2125_2127delATAinsCTG variant (also known as p.I709L), located in coding exon 14 of the NBN gene, results from an in-frame deletion of ATA and insertion of CTG at nucleotide positions 2125 to 2127. This results in the substitution of the isoleucine residue for a leucine residue at codon 709, an amino acid with highly similar properties. This amino acid position is well conserved in available vertebrate species. In addition, this alteration is predicted to be neutral by in silico analysis (Choi Y et al. PLoS ONE. 2012; 7(10):e46688). Since supporting evidence is limited at this time, the clinical significance of this alteration remains unclear.

Labcorp Genetics (formerly Invitae), Labcorp
Classification: Uncertain significance for Microcephaly, normal intelligence and immunodeficiency. Last evaluated: 2022-04-23. Review status: criteria provided, single submitter. Criteria: Invitae Variant Classification Sherloc (09022015). Collection method: clinical testing. Allele origin: germline.
Comment: This variant is not present in population databases (gnomAD no frequency). In summary, the available evidence is currently insufficient to determine the role of this variant in disease. Therefore, it has been classified as a Variant of Uncertain Significance. Experimental studies and prediction algorithms are not available or were not evaluated, and the functional significance of this variant is currently unknown. This variant has not been reported in the literature in individuals affected with NBN-related conditions. This sequence change replaces isoleucine, which is neutral and non-polar, with leucine, which is neutral and non-polar, at codon 709 of the NBN protein (p.Ile709Leu).